The following is an entry in ClinVar:

NM_002528.7(NTHL1):c.261G>C (p.Gln87His)

Gene: NTHL1 (nth like DNA glycosylase 1; minus strand). Cytogenetic location: 16p13.3.
Variant type: single nucleotide variant.
Coding change: c.261G>C on transcript NM_002528.7 (MANE Select); coding-DNA position 261, G replaced by C.
Protein change: p.Gln87His; replaces glutamine 87 with histidine.
Molecular consequence: missense variant. On other transcripts: intron variant (1).
Genome position (GRCh38, 1-based): chr16:2,046,221, C>G on the plus strand (G>C on the coding strand, the complement: NTHL1 is on the minus strand). VCF-style: chr16-2046221-C-G. GRCh37 (hg19) VCF-style: chr16-2096222-C-G.
Other names: c.261G>C, p.Gln87His (NM_001318193.2); c.24+59G>C (NM_001318194.2); short protein forms Q87H.
Identifiers: ClinVar variation 2451109 (VCV002451109.3), dbSNP rs2150945963, ClinGen allele CA394297042.
Genomic context (GRCh38, chr16:2,046,221, plus strand): 5'-AGTCCCCAGATGGTCCACAGGTGCATCCTTTTTGTTCCTCATGGCACGGATGTTGACCAG[C>G]TGTTGCTGCCAGTCCTGGGGCTCCCAGACTGGCACCTTGAGGGGCTCAGCCCCCTCACCT-3'
Protein context (NP_002519.2, residues 77-97): PVWEPQDWQQ[Gln87His]LVNIRAMRNK

ClinVar aggregate classification (germline): Uncertain significance (1 of 4 stars; one submission).

Conditions:
Hereditary cancer-predisposing syndrome. Also called: Neoplastic Syndromes, Hereditary; Tumor predisposition; Hereditary neoplastic syndrome; Hereditary Cancer Syndrome. Identifiers: Orphanet 140162, MedGen C0027672, MeSH D009386, MONDO:0015356.

gnomAD v4.1: 1 of 1,613,214 alleles (0.000062%); highest among the groups gnomAD compares: South Asian, 0.0011%; no homozygotes.

Submission:

Ambry Genetics
Classification: Uncertain significance for Hereditary cancer-predisposing syndrome. Last evaluated: 2025-08-07. Review status: criteria provided, single submitter. Criteria: Ambry Variant Classification Scheme 2023. Collection method: clinical testing. Allele origin: germline.
Comment: The p.Q95H variant (also known as c.285G>C), located in coding exon 2 of the NTHL1 gene, results from a G to C substitution at nucleotide position 285. The glutamine at codon 95 is replaced by histidine, an amino acid with highly similar properties. This amino acid position is conserved. In addition, this alteration is predicted to be tolerated by in silico analysis. Since supporting evidence is limited at this time, the clinical significance of this alteration remains unclear.